The following is an entry in ClinVar:

NM_206933.4(USH2A):c.551C>A (p.Thr184Asn)

Gene: USH2A (usherin; minus strand). Cytogenetic location: 1q41.
Variant type: single nucleotide variant.
Coding change: c.551C>A on transcript NM_206933.4 (MANE Select); coding-DNA position 551, C replaced by A.
Protein change: p.Thr184Asn; replaces threonine 184 with asparagine.
Molecular consequence: missense variant.
Genome position (GRCh38, 1-based): chr1:216,418,614, G>T on the plus strand (C>A on the coding strand, the complement: USH2A is on the minus strand). VCF-style: chr1-216418614-G-T. GRCh37 (hg19) VCF-style: chr1-216591956-G-T.
Other names: c.551C>A, p.Thr184Asn (NM_007123.6); short protein forms T184N.
Identifiers: ClinVar variation 1479029 (VCV001479029.6), dbSNP rs2102783958, ClinGen allele CA344902546.

ClinVar aggregate classification (germline): Uncertain significance (1 of 4 stars; one submission).

Allele frequency attached by ClinVar (database versions not stated): gnomAD exomes below 0.00001.
gnomAD v4.1: 2 of 1,613,258 alleles (0.00012%); highest among the groups gnomAD compares: Non-Finnish European, 0.00017%; no homozygotes.

Submission:

Labcorp Genetics (formerly Invitae), Labcorp
Classification: Uncertain significance. Last evaluated: 2022-07-06. Review status: criteria provided, single submitter. Criteria: Invitae Variant Classification Sherloc (09022015). Collection method: clinical testing. Allele origin: germline.
Comment: This sequence change replaces threonine, which is neutral and polar, with asparagine, which is neutral and polar, at codon 184 of the USH2A protein (p.Thr184Asn). In summary, the available evidence is currently insufficient to determine the role of this variant in disease. Therefore, it has been classified as a Variant of Uncertain Significance. Algorithms developed to predict the effect of missense changes on protein structure and function are either unavailable or do not agree on the potential impact of this missense change (SIFT: "Deleterious"; PolyPhen-2: "Probably Damaging"; Align-GVGD: "Class C0"). ClinVar contains an entry for this variant (Variation ID: 1479029). This variant has not been reported in the literature in individuals affected with USH2A-related conditions. This variant is not present in population databases (gnomAD no frequency).